The following is an entry in ClinVar:

NM_006302.3(MOGS):c.2352C>T (p.His784=)

Gene: MOGS (mannosyl-oligosaccharide glucosidase; minus strand). Cytogenetic location: 2p13.1.
Variant type: single nucleotide variant.
Coding change: c.2352C>T on transcript NM_006302.3 (MANE Select); coding-DNA position 2352, C replaced by T.
Protein change: p.His784=; no amino-acid change (histidine 784 retained).
Molecular consequence: synonymous variant.
Genome position (GRCh38, 1-based): chr2:74,461,437, G>A on the plus strand (C>T on the coding strand, the complement: MOGS is on the minus strand). VCF-style: chr2-74461437-G-A. GRCh37 (hg19) VCF-style: chr2-74688564-G-A.
Other names: c.2352C>T (NM_006302.2); c.2034C>T, p.His678= (NM_001146158.2).
Identifiers: ClinVar variation 2903388 (VCV002903388.5), dbSNP rs371877226, ClinGen allele CA1724603.
Genomic context (GRCh38, chr2:74,461,437, plus strand): 5'-AAAGCCTGTAGCCTGGTACTGGCGCCATACATTGCCTACCACGTTGGCACGGAGCTCACC[G>A]TGGAGTTTGGCAGCCCGAGCCTGGTGAGGACCCTCCAGATGCCCATAGTGGTGGAGTGCT-3'
Protein context (NP_006293.2, residues 774-794): GPHQARAAKL[His784=]GELRANVVGN

ClinVar aggregate classification (germline): Likely benign. Review status: criteria provided, single submitter (1 of 4 stars). 2 submissions from 2 submitters: Likely benign (1). 1 of the submissions does not count toward it. Last evaluated 2023-08-25.

Conditions:
MOGS-related disorder. Also called: MOGS-related condition.
MOGS-congenital disorder of glycosylation. Also called: CDG 2B; GLUCOSIDASE I DEFICIENCY; CDG IIb; MOGS-CDG. Identifiers: Orphanet 79330, MedGen C1853736, MONDO:0011629, OMIM 606056.

Allele frequency attached by ClinVar (database versions not stated): gnomAD 0.00001; TOPMed 0.00001; ESP Exome Variant Server 0.00008.
gnomAD v4.1: 9 of 1,614,116 alleles (0.00056%); highest among the groups gnomAD compares: Admixed American, 0.005%; no homozygotes.

Submissions (2):

Labcorp Genetics (formerly Invitae), Labcorp
Classification: Likely benign for MOGS-congenital disorder of glycosylation. Last evaluated: 2023-08-25. Review status: criteria provided, single submitter. Criteria: Invitae Variant Classification Sherloc (09022015). Collection method: clinical testing. Allele origin: germline.

PreventionGenetics, part of Exact Sciences
Classification: Likely benign for MOGS-related condition. Last evaluated: 2019-07-19. Review status: no assertion criteria provided. Collection method: clinical testing. Allele origin: germline. Not counted in ClinVar's aggregate classification.
Comment: This variant is classified as likely benign based on ACMG/AMP sequence variant interpretation guidelines (Richards et al. 2015 PMID: 25741868, with internal and published modifications).